The following is an entry in ClinVar:

ClinVar aggregate classification (germline): Benign/Likely benign. Review status: criteria provided, multiple submitters, no conflicts (2 of 4 stars). 6 submissions from 6 submitters: Benign (1); Likely benign (2). 3 of the submissions do not count toward it. Last evaluated 2026-04-01.

Conditions:
SCARF2-related disorder. Also called: SCARF2-related condition.

Submissions (6):

CeGaT Center for Human Genetics Tuebingen
Classification: Likely benign. Last evaluated: 2026-04-01. Review status: criteria provided, single submitter. Criteria: CeGaT Center For Human Genetics Tuebingen Variant Classification Criteria Version 2. Collection method: clinical testing. Allele origin: germline. Affected: yes. Observed: 1 variant allele.
Comment: SCARF2: BS2

Labcorp Genetics (formerly Invitae), Labcorp
Classification: Benign. Last evaluated: 2026-01-12. Review status: criteria provided, single submitter. Criteria: Invitae Variant Classification Sherloc (09022015). Collection method: clinical testing. Allele origin: germline.

Blueprint Genetics
Classification: Likely benign. Last evaluated: 2024-11-18. Review status: criteria provided, single submitter. Criteria: ACMG Guidelines, 2015. Collection method: clinical testing. Allele origin: germline.

PreventionGenetics, part of Exact Sciences
Classification: Likely benign for SCARF2-related condition. Last evaluated: 2019-05-20. Review status: no assertion criteria provided. Collection method: clinical testing. Allele origin: germline. Not counted in ClinVar's aggregate classification.
Comment: This variant is classified as likely benign based on ACMG/AMP sequence variant interpretation guidelines (Richards et al. 2015 PMID: 25741868, with internal and published modifications).

Clinical Genetics DNA and cytogenetics Diagnostics Lab, Erasmus MC, Erasmus Medical Center
Classification: Likely benign. Review status: no assertion criteria provided. Collection method: clinical testing. Allele origin: germline. Affected: yes. Study: VKGL Data-share Consensus. Not counted in ClinVar's aggregate classification.

Genome Diagnostics Laboratory, University Medical Center Utrecht
Classification: Likely benign. Review status: no assertion criteria provided. Collection method: clinical testing. Allele origin: germline. Affected: yes. Study: VKGL Data-share Consensus. Not counted in ClinVar's aggregate classification.

NM_182895.5(SCARF2):c.1425-35_1425-25del

Gene: SCARF2 (scavenger receptor class F member 2; minus strand). Cytogenetic location: 22q11.21.
Variant type: Microsatellite.
Coding change: c.1425-35_1425-25del on transcript NM_182895.5 (MANE Select); 35 bases into the intron before coding-DNA position 1425 through 25 bases into the intron before coding-DNA position 1425, 11 bases deleted (GGCCCCGCCCC).
Molecular consequence: intron variant.
Genome position (GRCh38, 1-based): chr22:20,429,365-20,429,375, GGGGCGGGGCC deleted on the plus strand (GGCCCCGCCCC on the coding strand, the reverse complement: SCARF2 is on the minus strand); deleting any 11 consecutive bases within chr22:20,429,365-20,429,386 gives the same sequence; the c. name uses the placement nearest the transcript's 3' end. VCF-style (leftmost placement, unchanged base first): chr22-20429364-AGGGGCGGGGCC-A. GRCh37 (hg19) VCF-style: chr22-20783651-AGGGGCGGGGCC-A.
Other names: c.1425-20_1425-10del (NM_153334.7); c.1425-20_1425-10del11 (NM_153334.6).
Identifiers: ClinVar variation 1299824 (VCV001299824.14), dbSNP rs761153453, ClinGen allele CA10112381.